The following is an entry in ClinVar:

NM_001127222.2(CACNA1A):c.3989+16A>G

Genes: CACNA1A (calcium voltage-gated channel subunit alpha1 A; minus strand), LOC126862865 (CDK7 strongly-dependent group 2 enhancer GRCh37_chr19:13385818-13387017; plus strand). Cytogenetic location: 19p13.13.
Variant type: single nucleotide variant.
Coding change: c.3989+16A>G on transcript NM_001127222.2 (MANE Select); 16 bases into the intron after coding-DNA position 3989, A replaced by G.
Molecular consequence: intron variant.
Genome position (GRCh38, 1-based): chr19:13,275,834, T>C on the plus strand (A>G on the coding strand, the complement: CACNA1A is on the minus strand). VCF-style: chr19-13275834-T-C. GRCh37 (hg19) VCF-style: chr19-13386648-T-C.
Other names: c.3992+16A>G (NM_001127221.2, NM_001174080.2); c.4001+16A>G (NM_000068.4, NM_023035.3).
Identifiers: ClinVar variation 380771 (VCV000380771.11), dbSNP rs149764550, ClinGen allele CA9240134.

ClinVar aggregate classification (germline): Benign/Likely benign. Review status: criteria provided, multiple submitters, no conflicts (2 of 4 stars). 3 submissions from 3 submitters: Benign (2); Likely benign (1). Last evaluated 2026-02-03.

Conditions:
Spinocerebellar ataxia type 6 (SCA6). Identifiers: Orphanet 98758, MedGen C0752124, MONDO:0008457, OMIM 183086.
Episodic ataxia type 2 (EA2). Also called: ATAXIA, EPISODIC, WITH NYSTAGMUS; ATAXIA, FAMILIAL PAROXYSMAL; CEREBELLAR ATAXIA, PAROXYSMAL, ACETAZOLAMIDE-RESPONSIVE; CEREBELLOPATHY, HEREDITARY PAROXYSMAL; EPISODIC ATAXIA, NYSTAGMUS-ASSOCIATED; ACETAZOLAMIDE-RESPONSIVE HEREDITARY PAROXYSMAL CEREBELLAR ATAXIA. Identifiers: Orphanet 97, MedGen C1720416, MONDO:0007163, OMIM 108500.
Developmental and epileptic encephalopathy, 42 (DEE42A). Also called: Epileptic encephalopathy, early infantile, 42; DEVELOPMENTAL AND EPILEPTIC ENCEPHALOPATHY 42A; EPILEPTIC ENCEPHALOPATHY, EARLY INFANTILE, 42A. Identifiers: MedGen C4310716, MONDO:0014917, OMIM 617106.
Migraine, familial hemiplegic, 1. Also called: MIGRAINE, FAMILIAL HEMIPLEGIC 1, WITH PROGRESSIVE CEREBELLAR ATAXIA. Identifiers: Orphanet 569, MedGen C1832884, MONDO:0020756, OMIM 141500, MONDO:0007714.

Allele frequency attached by ClinVar (database versions not stated): gnomAD exomes 0.00429; ExAC 0.00551; 1000 Genomes Project 0.01677; gnomAD 0.01683 and 0.01798; 1000 Genomes Project 30x 0.01718; ESP Exome Variant Server 0.01755; TOPMed 0.01842.
gnomAD v4.1: 5,086 of 1,564,522 alleles (0.33%); highest among the groups gnomAD compares: African/African-American, 5.9%; 166 homozygotes.

Submissions (3):

Labcorp Genetics (formerly Invitae), Labcorp
Classification: Benign for Developmental and epileptic encephalopathy, 42; Episodic ataxia type 2. Last evaluated: 2026-02-03. Review status: criteria provided, single submitter. Criteria: Invitae Variant Classification Sherloc (09022015). Collection method: clinical testing. Allele origin: germline.

Fulgent Genetics
Classification: Likely benign for Episodic ataxia type 2; Migraine, familial hemiplegic, 1; Spinocerebellar ataxia type 6; Developmental and epileptic encephalopathy, 42. Last evaluated: 2022-02-03. Review status: criteria provided, single submitter. Criteria: ACMG Guidelines, 2015. Collection method: clinical testing. Allele origin: unknown.

GeneDx
Classification: Benign. Last evaluated: 2016-01-23. Review status: criteria provided, single submitter. Criteria: GeneDx Variant Classification (06012015). Collection method: clinical testing. Allele origin: germline. Affected: yes.
Comment: This variant is considered likely benign or benign based on one or more of the following criteria: it is a conservative change, it occurs at a poorly conserved position in the protein, it is predicted to be benign by multiple in silico algorithms, and/or has population frequency not consistent with disease.